The following is an entry in ClinVar:

NM_004525.3(LRP2):c.6038G>A (p.Arg2013His)

Gene: LRP2 (LDL receptor related protein 2; minus strand). Cytogenetic location: 2q31.1.
Variant type: single nucleotide variant.
Coding change: c.6038G>A on transcript NM_004525.3 (MANE Select); coding-DNA position 6038, G replaced by A.
Protein change: p.Arg2013His; replaces arginine 2013 with histidine.
Molecular consequence: missense variant.
Genome position (GRCh38, 1-based): chr2:169,213,659, C>T on the plus strand (G>A on the coding strand, the complement: LRP2 is on the minus strand). VCF-style: chr2-169213659-C-T. GRCh37 (hg19) VCF-style: chr2-170070169-C-T.
Other names: c.6038G>A (NM_004525.2); short protein forms R2013H.
Identifiers: ClinVar variation 1508043 (VCV001508043.4), dbSNP rs201371915, ClinGen allele CA1954391.

ClinVar aggregate classification (germline): Uncertain significance. Review status: criteria provided, multiple submitters, no conflicts (2 of 4 stars). 2 submissions from 2 submitters: Uncertain significance (2). Last evaluated 2026-08-28.

Conditions:
LRP2-related disorder. Also called: LRP2-related condition.

Allele frequency attached by ClinVar (database versions not stated): ExAC 0.00001; gnomAD exomes 0.00001 and 0.00002; TOPMed 0.00004; gnomAD 0.00005; ESP Exome Variant Server 0.00008.
gnomAD v4.1: 18 of 1,610,646 alleles (0.0011%); highest among the groups gnomAD compares: African/African-American, 0.012%; no homozygotes.

Submissions (2):

PreventionGenetics, part of Exact Sciences
Classification: Uncertain significance for LRP2-related condition. Last evaluated: 2026-08-28. Review status: criteria provided, single submitter. Criteria: ACMG Guidelines, 2015. Collection method: clinical testing. Allele origin: germline.
Comment: The LRP2 c.6038G>A variant is predicted to result in the amino acid substitution p.Arg2013His. To our knowledge, this variant has not been reported in the literature. This variant is reported in 0.012% of alleles in individuals of African descent in gnomAD. At this time, the clinical significance of this variant is uncertain due to the absence of conclusive functional and genetic evidence.

Labcorp Genetics (formerly Invitae), Labcorp
Classification: Uncertain significance. Last evaluated: 2022-08-19. Review status: criteria provided, single submitter. Criteria: Invitae Variant Classification Sherloc (09022015). Collection method: clinical testing. Allele origin: germline.
Comment: This sequence change replaces arginine, which is basic and polar, with histidine, which is basic and polar, at codon 2013 of the LRP2 protein (p.Arg2013His). This variant is present in population databases (rs201371915, gnomAD 0.008%). This variant has not been reported in the literature in individuals affected with LRP2-related conditions. ClinVar contains an entry for this variant (Variation ID: 1508043). Algorithms developed to predict the effect of missense changes on protein structure and function output the following: SIFT: "Tolerated"; PolyPhen-2: "Benign"; Align-GVGD: "Class C0". The histidine amino acid residue is found in multiple mammalian species, which suggests that this missense change does not adversely affect protein function. In summary, the available evidence is currently insufficient to determine the role of this variant in disease. Therefore, it has been classified as a Variant of Uncertain Significance.